The following is an entry in ClinVar:

ClinVar aggregate classification (germline): Likely pathogenic (1 of 4 stars; one submission).

Conditions:
Stuve-Wiedemann syndrome (STWS). Also called: Stüve-Wiedemann syndrome. Identifiers: Orphanet 3206, MedGen C0796176, MONDO:0031280.

Submission:

Natera, Inc.
Classification: Likely pathogenic for Stuve-Wiedemann syndrome. Last evaluated: 2025-06-01. Review status: criteria provided, single submitter. Criteria: Natera Variant Classification Schema (03/2026). Collection method: clinical testing. Allele origin: germline.
Comment: The c.1635G>A variant in LIFR is a nonsense variant predicted to introduce a stop codon at amino acid 545. This variant is expected to result in nonsense mediated decay, truncation, or a dysfunctional protein product. This variant is rare in the general population with a frequency below the threshold expected for the associated phenotype(s). Given the available evidence, this variant is classified as Likely Pathogenic.

NM_001127671.2(LIFR):c.1635G>A (p.Trp545Ter)

Gene: LIFR (LIF receptor subunit alpha; minus strand). Cytogenetic location: 5p13.1.
Variant type: single nucleotide variant.
Coding change: c.1635G>A on transcript NM_001127671.2 (MANE Select); coding-DNA position 1635, G replaced by A.
Protein change: p.Trp545Ter; replaces tryptophan 545 with a stop codon.
Molecular consequence: nonsense.
Genome position (GRCh38, 1-based): chr5:38,499,549, C>T on the plus strand (G>A on the coding strand, the complement: LIFR is on the minus strand). VCF-style: chr5-38499549-C-T. GRCh37 (hg19) VCF-style: chr5-38499651-C-T.
Other names: c.1635G>A, p.Trp545Ter (NM_001364297.2, NM_001364298.2, NM_002310.6); short protein forms W545*.
Identifiers: ClinVar variation 4815015 (VCV004815015.1).
Genomic context (GRCh38, chr5:38,499,549, plus strand): 5'-TTCACAGAAAAATTAGATATTTACCTTCCAATAGATTATTAAATTTTTTCCATCAGAACT[C>T]CACTCTCTCCAAGTATCAGGCCCCTTTGAAGGACCTAAAAAGGAGATTTTAAAGTTAATA-3'